The following is an entry in ClinVar:

ClinVar aggregate classification (germline): Likely benign (1 of 4 stars; one submission).

Allele frequency attached by ClinVar (database versions not stated): 1000 Genomes Project 30x 0.00094; 1000 Genomes Project 0.00100; TOPMed 0.00396; gnomAD 0.00513; ExAC 0.00553; ESP Exome Variant Server 0.00562; gnomAD exomes 0.00711.
gnomAD v4.1: 11,046 of 1,613,460 alleles (0.68%); highest among the groups gnomAD compares: Middle Eastern, 0.97%; 51 homozygotes.

Submission:

CeGaT Center for Human Genetics Tuebingen
Classification: Likely benign. Last evaluated: 2023-01-01. Review status: criteria provided, single submitter. Criteria: CeGaT Center For Human Genetics Tuebingen Variant Classification Criteria Version 2. Collection method: clinical testing. Allele origin: germline. Affected: yes. Observed: 1 variant allele.
Comment: KCTD5: BP4, BP7, BS2

NM_018992.4(KCTD5):c.561C>T (p.Ile187=)

Gene: KCTD5 (potassium channel tetramerization domain containing 5; plus strand). Cytogenetic location: 16p13.3.
Variant type: single nucleotide variant.
Coding change: c.561C>T on transcript NM_018992.4 (MANE Select); coding-DNA position 561, C replaced by T.
Protein change: p.Ile187=; no amino-acid change (isoleucine 187 retained).
Molecular consequence: synonymous variant.
Genome position (GRCh38, 1-based): chr16:2,702,364, C>T. VCF-style: chr16-2702364-C-T. GRCh37 (hg19) VCF-style: chr16-2752365-C-T.
Identifiers: ClinVar variation 2646065 (VCV002646065.24), dbSNP rs118149302, ClinGen allele CA7846087.